The following is an entry in ClinVar:

NM_024675.4(PALB2):c.1046A>C (p.Asn349Thr)

Gene: PALB2 (partner and localizer of BRCA2; minus strand). Cytogenetic location: 16p12.2.
Variant type: single nucleotide variant.
Coding change: c.1046A>C on transcript NM_024675.4 (MANE Select); coding-DNA position 1046, A replaced by C.
Protein change: p.Asn349Thr; replaces asparagine 349 with threonine.
Molecular consequence: missense variant.
Genome position (GRCh38, 1-based): chr16:23,635,500, T>G on the plus strand (A>C on the coding strand, the complement: PALB2 is on the minus strand). VCF-style: chr16-23635500-T-G. GRCh37 (hg19) VCF-style: chr16-23646821-T-G.
Other names: short protein forms N349T.
Identifiers: ClinVar variation 619882 (VCV000619882.16), dbSNP rs1567221740, ClinGen allele CA395134191.
Genomic context (GRCh38, chr16:23,635,500, plus strand): 5'-AGATTTTCATTCCTGCCATCAAGAGTGTCACTGGGAGATTTTAAAGATTTCTCTGTTTGA[T>G]TTTGTTCTTTTAAGTTTTGGTTTTCATTTGCTGGTAAGTTATTGTAGGTGAGTTCATTTA-3'
Protein context (NP_078951.2, residues 339-359): ANENQNLKEQ[Asn349Thr]QTEKSLKSPS

ClinVar aggregate classification (germline): Conflicting classifications of pathogenicity. Review status: criteria provided, conflicting classifications (1 of 4 stars). 3 submissions from 3 submitters: Uncertain significance (2); Likely benign (1). Last evaluated 2026-01-27.

Conditions:
Hereditary cancer-predisposing syndrome. Also called: Tumor predisposition; Hereditary Cancer Syndrome; Neoplastic Syndromes, Hereditary; Hereditary neoplastic syndrome. Identifiers: Orphanet 140162, MedGen C0027672, MeSH D009386, MONDO:0015356.
Familial cancer of breast. Also called: BREAST CANCER, FAMILIAL; Hereditary breast cancer; hereditary breast carcinoma. Identifiers: Orphanet 227535, MedGen C0346153, MONDO:0016419, OMIM 114480. Disease mechanism: loss of function.

Allele frequency attached by ClinVar (database versions not stated): gnomAD exomes below 0.00001.
gnomAD v4.1: 2 of 1,614,022 alleles (0.00012%); highest among the groups gnomAD compares: Non-Finnish European, 0.00017%; no homozygotes.

Submissions (3):

Labcorp Genetics (formerly Invitae), Labcorp
Classification: Uncertain significance for Familial cancer of breast. Last evaluated: 2026-01-27. Review status: criteria provided, single submitter. Criteria: Invitae Variant Classification Sherloc (09022015). Collection method: clinical testing. Allele origin: germline.
Comment: This sequence change replaces asparagine, which is neutral and polar, with threonine, which is neutral and polar, at codon 349 of the PALB2 protein (p.Asn349Thr). This variant is not present in population databases (gnomAD no frequency). This variant has not been reported in the literature in individuals affected with PALB2-related conditions. ClinVar contains an entry for this variant (Variation ID: 619882). Invitae Evidence Modeling of protein sequence and biophysical properties (such as structural, functional, and spatial information, amino acid conservation, physicochemical variation, residue mobility, and thermodynamic stability) indicates that this missense variant is not expected to disrupt PALB2 protein function with a negative predictive value of 80%. In summary, the available evidence is currently insufficient to determine the role of this variant in disease. Therefore, it has been classified as a Variant of Uncertain Significance.

Ambry Genetics
Classification: Likely benign for Hereditary cancer-predisposing syndrome. Last evaluated: 2024-12-11. Review status: criteria provided, single submitter. Criteria: Ambry Variant Classification Scheme 2023. Collection method: clinical testing. Allele origin: germline.

Quest Diagnostics Nichols Institute San Juan Capistrano
Classification: Uncertain significance. Last evaluated: 2018-05-12. Review status: criteria provided, single submitter. Criteria: Quest Diagnostics criteria. Collection method: clinical testing. Allele origin: germline.